The following is an entry in ClinVar:

ClinVar aggregate classification (germline): Benign/Likely benign. Review status: criteria provided, multiple submitters, no conflicts (2 of 4 stars). 3 submissions from 3 submitters: Benign (1); Likely benign (1). 1 of the submissions does not count toward it. Last evaluated 2026-09-18.

Conditions:
Colorectal cancer, hereditary nonpolyposis, type 7. Identifiers: Orphanet 144, MedGen C1858380, MONDO:0013725, OMIM 614385.
MLH3-related disorder. Also called: MLH3-related condition.

gnomAD v4.1: 3 of 1,614,156 alleles (0.00019%); highest among the groups gnomAD compares: South Asian, 0.0022%; no homozygotes.

Submissions (3):

Myriad Genetics, Inc.
Classification: Benign for Colorectal cancer, hereditary nonpolyposis, type 7. Last evaluated: 2026-09-18. Review status: criteria provided, single submitter. Criteria: Myriad Autosomal Dominant, Autosomal Recessive and X-Linked Classification Criteria (2023). Collection method: clinical testing. Allele origin: unknown.
Comment: This variant is considered benign. This variant is a silent/synonymous amino acid change and it is not expected to impact splicing.

Ambry Genetics
Classification: Likely benign. Last evaluated: 2020-06-04. Review status: criteria provided, single submitter. Criteria: Ambry Variant Classification Scheme 2023. Collection method: clinical testing. Allele origin: germline.

PreventionGenetics, part of Exact Sciences
Classification: Likely benign for MLH3-related condition. Last evaluated: 2023-10-31. Review status: no assertion criteria provided. Collection method: clinical testing. Allele origin: germline. Not counted in ClinVar's aggregate classification.
Comment: This variant is classified as likely benign based on ACMG/AMP sequence variant interpretation guidelines (Richards et al. 2015 PMID: 25741868, with internal and published modifications).

NM_001040108.2(MLH3):c.2160T>C (p.Tyr720=)

Gene: MLH3 (mutL homolog 3; minus strand). Cytogenetic location: 14q24.3.
Variant type: single nucleotide variant.
Coding change: c.2160T>C on transcript NM_001040108.2 (MANE Select); coding-DNA position 2160, T replaced by C.
Protein change: p.Tyr720=; no amino-acid change (tyrosine 720 retained).
Molecular consequence: synonymous variant.
Genome position (GRCh38, 1-based): chr14:75,047,496, A>G on the plus strand (T>C on the coding strand, the complement: MLH3 is on the minus strand). VCF-style: chr14-75047496-A-G. GRCh37 (hg19) VCF-style: chr14-75514199-A-G.
Other names: c.2160T>C, p.Tyr720= (NM_014381.3).
Identifiers: ClinVar variation 1786913 (VCV001786913.5), dbSNP rs1892328710, ClinGen allele CA487273716.
Genomic context (GRCh38, chr14:75,047,496, plus strand): 5'-GATTGGTTTGGAGAAACCAATTAATTTATCTGTTTTCCTACTATCATTGGAAACGTGTCT[A>G]TACCAGGGGAAAGAGGGGGATGTATCAGATAATATGCAATCTGTTTGTGATTTTTTGCTA-3'
Protein context (NP_001035197.1, residues 710-730): LSDTSPSFPW[Tyr720=]RHVSNDSRKT